The following is an entry in ClinVar:

NM_004714.3(DYRK1B):c.1079C>A (p.Thr360Lys)

Gene: DYRK1B (dual specificity tyrosine phosphorylation regulated kinase 1B; minus strand). Cytogenetic location: 19q13.2.
Variant type: single nucleotide variant.
Coding change: c.1079C>A on transcript NM_004714.3 (MANE Select); coding-DNA position 1079, C replaced by A.
Protein change: p.Thr360Lys; replaces threonine 360 with lysine.
Molecular consequence: missense variant.
Genome position (GRCh38, 1-based): chr19:39,827,301, G>T on the plus strand (C>A on the coding strand, the complement: DYRK1B is on the minus strand). VCF-style: chr19-39827301-G-T. GRCh37 (hg19) VCF-style: chr19-40317941-G-T.
Other names: c.1079C>A, p.Thr360Lys (NM_006483.3, NM_006484.3); short protein forms T360K.
Identifiers: ClinVar variation 3346104 (VCV003346104.1).

ClinVar aggregate classification (germline): Uncertain significance (0 of 4 stars; one submission).

Conditions:
DYRK1B-related disorder. Also called: DYRK1B-related condition.

gnomAD v4.1: 1 of 1,611,740 alleles (0.000062%); highest among the groups gnomAD compares: Non-Finnish European, 0.000085%; no homozygotes.

Submission:

PreventionGenetics, part of Exact Sciences
Classification: Uncertain significance for DYRK1B-related condition. Last evaluated: 2024-07-10. Review status: no assertion criteria provided. Collection method: clinical testing. Allele origin: germline.
Comment: The DYRK1B c.1079C>A variant is predicted to result in the amino acid substitution p.Thr360Lys. This variant has been reported in an individual with obesity and in vitro functional studies suggested that this variant results in decreased Wnt signaling (Figure 1 and Table S2, Folon et al. 2024. PubMed ID: 38170957). This variant has not been reported in a large population database, indicating this variant is rare. At this time, the clinical significance of this variant is uncertain due to the absence of conclusive functional and genetic evidence.